The following is an entry in ClinVar:

ClinVar aggregate classification (germline): Pathogenic/Likely pathogenic. Review status: criteria provided, multiple submitters, no conflicts (2 of 4 stars). 2 submissions from 2 submitters: Pathogenic (1); Likely pathogenic (1). Last evaluated 2023-11-07.

Conditions:
Osteogenesis imperfecta type I (OI1). Also called: Lobstein's Disease; OI, TYPE I; OSTEOGENESIS IMPERFECTA TARDA; OSTEOGENESIS IMPERFECTA WITH BLUE SCLERAE; Osteogenesis imperfecta type 1; Lobstein disease. Identifiers: Orphanet 216796, Orphanet 666, MedGen C0023931, MONDO:0008146, OMIM 166200. Disease mechanism: loss of function.

Submissions (2):

Labcorp Genetics (formerly Invitae), Labcorp
Classification: Pathogenic for Osteogenesis imperfecta type I. Last evaluated: 2023-11-07. Review status: criteria provided, single submitter. Criteria: Invitae Variant Classification Sherloc (09022015). Collection method: clinical testing. Allele origin: germline.
Comment: This sequence change affects a donor splice site in intron 6 of the COL1A1 gene. It is expected to disrupt RNA splicing. Variants that disrupt the donor or acceptor splice site typically lead to a loss of protein function (PMID: 16199547), and loss-of-function variants in COL1A1 are known to be pathogenic (PMID: 7942841, 9295084, 9443882). This variant is not present in population databases (gnomAD no frequency). Disruption of this splice site has been observed in individual(s) with COL1A1-related conditions (PMID: 25963598, 30886339). ClinVar contains an entry for this variant (Variation ID: 1324105). Algorithms developed to predict the effect of sequence changes on RNA splicing suggest that this variant may disrupt the consensus splice site. For these reasons, this variant has been classified as Pathogenic.

Revvity Omics, Revvity
Classification: Likely pathogenic. Last evaluated: 2021-04-07. Review status: criteria provided, single submitter. Criteria: ACMG Guidelines, 2015. Collection method: clinical testing. Allele origin: germline.

Literature cited by the submitters: PubMed 16199547 (cited by Labcorp Genetics (formerly Invitae), Labcorp); PubMed 7942841 (cited by Labcorp Genetics (formerly Invitae), Labcorp); PubMed 9295084 (cited by Labcorp Genetics (formerly Invitae), Labcorp); PubMed 9443882 (cited by Labcorp Genetics (formerly Invitae), Labcorp); PubMed 25963598 (cited by Labcorp Genetics (formerly Invitae), Labcorp); PubMed 30886339 (cited by Labcorp Genetics (formerly Invitae), Labcorp).

NM_000088.4(COL1A1):c.543+1G>A

Gene: COL1A1 (collagen type I alpha 1 chain; minus strand). Cytogenetic location: 17q21.33.
Variant type: single nucleotide variant.
Coding change: c.543+1G>A on transcript NM_000088.4 (MANE Select); the canonical splice donor site of the intron after coding-DNA position 543, G replaced by A.
Molecular consequence: splice donor variant.
Genome position (GRCh38, 1-based): chr17:50,198,432, C>T on the plus strand (G>A on the coding strand, the complement: COL1A1 is on the minus strand). VCF-style: chr17-50198432-C-T. GRCh37 (hg19) VCF-style: chr17-48275793-C-T.
Identifiers: ClinVar variation 1324105 (VCV001324105.7), dbSNP rs2144588841, ClinGen allele CA400225927.